The following is an entry in ClinVar:

ClinVar aggregate classification (germline): Pathogenic (1 of 4 stars; one submission).

Conditions:
Retinal disorder. Also called: Retinopathy; Retinopathies; Retinal Diseases; Retinal disorders. Identifiers: MedGen C0035309, MONDO:0005283, HP:0000488.

Submission:

Genetics Laboratory, Great Ormond Street Hospital NHS Foundation Trust, North Thames Genomic Laboratory Hub
Classification: Pathogenic for Retinal disorders. Last evaluated: 2026-07-22. Review status: criteria provided, single submitter. Criteria: ACGS Best Practice Guidelines for Variant Classification in Rare Disease 2024 v1.2. Collection method: clinical testing. Allele origin: germline. Affected: yes.
Comment: PM2_moderate, PVS1_very-strong

NM_016247.4(IMPG2):c.697G>T (p.Glu233Ter)

Gene: IMPG2 (interphotoreceptor matrix proteoglycan 2; minus strand). Cytogenetic location: 3q12.3.
Variant type: single nucleotide variant.
Coding change: c.697G>T on transcript NM_016247.4 (MANE Select); coding-DNA position 697, G replaced by T.
Protein change: p.Glu233Ter; replaces glutamic acid 233 with a stop codon.
Molecular consequence: nonsense.
Genome position (GRCh38, 1-based): chr3:101,273,712, C>A on the plus strand (G>T on the coding strand, the complement: IMPG2 is on the minus strand). VCF-style: chr3-101273712-C-A. GRCh37 (hg19) VCF-style: chr3-100992556-C-A.
Other names: short protein forms E233*.
Identifiers: ClinVar variation 4974945 (VCV004974945.1).